The following is an entry in ClinVar:

NM_004329.3(BMPR1A):c.151G>A (p.Ala51Thr)

Gene: BMPR1A (bone morphogenetic protein receptor type 1A; plus strand). Cytogenetic location: 10q23.2.
Variant type: single nucleotide variant.
Coding change: c.151G>A on transcript NM_004329.3 (MANE Select); coding-DNA position 151, G replaced by A.
Protein change: p.Ala51Thr; replaces alanine 51 with threonine.
Molecular consequence: missense variant.
Genome position (GRCh38, 1-based): chr10:86,890,145, G>A. VCF-style: chr10-86890145-G-A. GRCh37 (hg19) VCF-style: chr10-88649902-G-A.
Other names: short protein forms A51T.
Identifiers: ClinVar variation 486820 (VCV000486820.19), dbSNP rs1554888117, ClinGen allele CA377446690.

ClinVar aggregate classification (germline): Uncertain significance. Review status: criteria provided, multiple submitters, no conflicts (2 of 4 stars). 5 submissions from 5 submitters: Uncertain significance (5). Last evaluated 2025-02-12.

Conditions:
Juvenile polyposis syndrome (JPS). Identifiers: Orphanet 2929, MedGen C0345893, MONDO:0017380, OMIM 174900.
Hereditary cancer-predisposing syndrome. Also called: Tumor predisposition; Neoplastic Syndromes, Hereditary; Hereditary Cancer Syndrome; Hereditary neoplastic syndrome. Identifiers: Orphanet 140162, MedGen C0027672, MeSH D009386, MONDO:0015356.

Submissions (5):

Labcorp Genetics (formerly Invitae), Labcorp
Classification: Uncertain significance for Juvenile polyposis syndrome. Last evaluated: 2025-02-12. Review status: criteria provided, single submitter. Criteria: Invitae Variant Classification Sherloc (09022015). Collection method: clinical testing. Allele origin: germline.
Comment: This sequence change replaces alanine, which is neutral and non-polar, with threonine, which is neutral and polar, at codon 51 of the BMPR1A protein (p.Ala51Thr). This variant is not present in population databases (gnomAD no frequency). This variant has not been reported in the literature in individuals affected with BMPR1A-related conditions. ClinVar contains an entry for this variant (Variation ID: 486820). Invitae Evidence Modeling of protein sequence and biophysical properties (such as structural, functional, and spatial information, amino acid conservation, physicochemical variation, residue mobility, and thermodynamic stability) indicates that this missense variant is not expected to disrupt BMPR1A protein function with a negative predictive value of 95%. In summary, the available evidence is currently insufficient to determine the role of this variant in disease. Therefore, it has been classified as a Variant of Uncertain Significance.

Ambry Genetics
Classification: Uncertain significance for Hereditary cancer-predisposing syndrome. Last evaluated: 2024-05-31. Review status: criteria provided, single submitter. Criteria: Ambry Variant Classification Scheme 2023. Collection method: clinical testing. Allele origin: germline.
Comment: The p.A51T variant (also known as c.151G>A), located in coding exon 2 of the BMPR1A gene, results from a G to A substitution at nucleotide position 151. The alanine at codon 51 is replaced by threonine, an amino acid with similar properties. This amino acid position is highly conserved in available vertebrate species. In addition, the in silico prediction for this alteration is inconclusive. Since supporting evidence is limited at this time, the clinical significance of this alteration remains unclear.

All of Us Research Program, National Institutes of Health
Classification: Uncertain significance for Juvenile polyposis syndrome. Last evaluated: 2024-01-11. Review status: criteria provided, single submitter. Criteria: ACMG Guidelines, 2015. Collection method: clinical testing. Allele origin: germline. Inheritance: Autosomal dominant inheritance. Observed: 1 variant allele, 1 heterozygote.
Comment: This study involves interpretation of variants in research participants for the purpose of population health screening. Participant phenotype was not available at the time of variant classification. Additional details can be found in publication PMID: 35346344, PMCID: PMC8962531

Color Diagnostics, LLC DBA Color Health
Classification: Uncertain significance for Hereditary cancer-predisposing syndrome. Last evaluated: 2023-07-17. Review status: criteria provided, single submitter. Criteria: ACMG Guidelines, 2015. Collection method: clinical testing. Allele origin: germline.
Comment: This missense variant replaces alanine with threonine at codon 51 of the BMPR1A protein. Computational prediction suggests that this variant may not impact protein structure and function (internally defined REVEL score threshold <= 0.5, PMID: 27666373). To our knowledge, functional studies have not been reported for this variant. This variant has not been reported in individuals affected with BMPR1A-related disorders in the literature. This variant has not been identified in the general population by the Genome Aggregation Database (gnomAD). The available evidence is insufficient to determine the role of this variant in disease conclusively. Therefore, this variant is classified as a Variant of Uncertain Significance.

GeneDx
Classification: Uncertain significance. Last evaluated: 2022-08-15. Review status: criteria provided, single submitter. Criteria: GeneDx Variant Classification Process June 2021. Collection method: clinical testing. Allele origin: germline. Affected: yes.
Comment: Not observed at significant frequency in large population cohorts (gnomAD); In silico analysis supports that this missense variant does not alter protein structure/function; Has not been previously published as pathogenic or benign to our knowledge